The following is an entry in ClinVar:

NM_014946.4(SPAST):c.1616+1G>A

Gene: SPAST (spastin; plus strand). Cytogenetic location: 2p22.3.
Variant type: single nucleotide variant.
Coding change: c.1616+1G>A on transcript NM_014946.4 (MANE Select); the canonical splice donor site of the intron after coding-DNA position 1616, G replaced by A.
Molecular consequence: splice donor variant.
Genome position (GRCh38, 1-based): chr2:32,143,416, G>A. VCF-style: chr2-32143416-G-A. GRCh37 (hg19) VCF-style: chr2-32368485-G-A.
Other names: c.1520+1G>A (NM_199436.2, NM_001377959.1); c.1613+1G>A (NM_001363823.2); c.1517+1G>A (NM_001363875.2).
Identifiers: ClinVar variation 1455024 (VCV001455024.9), dbSNP rs1553319327, ClinGen allele CA346503865.
Genomic context (GRCh38, chr2:32,143,416, plus strand): 5'-AAATCTGTTATGTAAACAAGGAAGTCCATTGACCCAAAAAGAACTAGCACAACTTGCTAG[G>A]TGAGTAATTTGGATTTGGTTTATCTTACAGCTTTTATTTATTTTTTGTAAATAATTCTTT-3'

ClinVar aggregate classification (germline): Pathogenic/Likely pathogenic. Review status: criteria provided, multiple submitters, no conflicts (2 of 4 stars). 2 submissions from 2 submitters: Pathogenic (1); Likely pathogenic (1). Last evaluated 2021-12-08.

Conditions:
Hereditary spastic paraplegia 4. Also called: Spastic paraplegia 4, autosomal dominant; Spastic Paraplegia 4; Familial spastic paraplegia autosomal dominant 2. Identifiers: Orphanet 100985, MedGen C1866855, MONDO:0008438, OMIM 182601.

Submissions (2):

Genetics and Molecular Pathology, SA Pathology
Classification: Likely pathogenic for Hereditary spastic paraplegia 4. Last evaluated: 2021-12-08. Review status: criteria provided, single submitter. Criteria: ACMG Guidelines, 2015. Collection method: clinical testing. Allele origin: germline. Inheritance: Autosomal dominant inheritance. Affected: yes.
Comment: The SPAST c.1616+1G>A variant is classified as Likely Pathogenic (PM2, PVS1) The SPAST c.1616+1G>A variant is located in a splice donor region (PVS1). The variant has not been reported in dbSNP and is absent from population databases (PM2). The variant has not been reported in the ClinVar or HGMD disease databases.

Labcorp Genetics (formerly Invitae), Labcorp
Classification: Pathogenic for Hereditary spastic paraplegia 4. Last evaluated: 2021-06-06. Review status: criteria provided, single submitter. Criteria: Invitae Variant Classification Sherloc (09022015). Collection method: clinical testing. Allele origin: germline.
Comment: This sequence change affects a donor splice site in intron 14 of the SPAST gene. It is expected to disrupt RNA splicing. Variants that disrupt the donor or acceptor splice site typically lead to a loss of protein function (PMID: 16199547), and loss-of-function variants in SPAST are known to be pathogenic (PMID: 20932283). For these reasons, this variant has been classified as Pathogenic. Algorithms developed to predict the effect of sequence changes on RNA splicing suggest that this variant may disrupt the consensus splice site, but this prediction has not been confirmed by published transcriptional studies. This variant has been observed in individual(s) with hereditary spastic paraplegia (PMID: 29934652, 31227335). This variant is not present in population databases (ExAC no frequency).

Literature cited by the submitters: PubMed 16199547 (cited by Labcorp Genetics (formerly Invitae), Labcorp); PubMed 20932283 (cited by Labcorp Genetics (formerly Invitae), Labcorp); PubMed 29934652 (cited by Labcorp Genetics (formerly Invitae), Labcorp); PubMed 31227335 (cited by Labcorp Genetics (formerly Invitae), Labcorp).